The following is an entry in ClinVar:

NM_000384.3(APOB):c.2629C>A (p.Pro877Thr)

Gene: APOB (apolipoprotein B; minus strand). Cytogenetic location: 2p24.1.
Variant type: single nucleotide variant.
Coding change: c.2629C>A on transcript NM_000384.3 (MANE Select); coding-DNA position 2629, C replaced by A.
Protein change: p.Pro877Thr; replaces proline 877 with threonine.
Molecular consequence: missense variant.
Genome position (GRCh38, 1-based): chr2:21,023,018, G>T on the plus strand (C>A on the coding strand, the complement: APOB is on the minus strand). VCF-style: chr2-21023018-G-T. GRCh37 (hg19) VCF-style: chr2-21245890-G-T.
Other names: short protein forms P877T.
Identifiers: ClinVar variation 4881907 (VCV004881907.2).

ClinVar aggregate classification (germline): Uncertain significance (1 of 4 stars; one submission).

Conditions:
Familial hypobetalipoproteinemia 1. Also called: APOB-Related Familial Hypobetalipoproteinemia; Hypobetalipoproteinemia, normotriglyceridemic; Acanthocytosis with hypobetalipoproteinemia. Identifiers: MedGen C4551990, MONDO:0014252, OMIM 615558.

Submission:

Dasa
Classification: Uncertain significance for Familial hypobetalipoproteinemia 1. Last evaluated: 2025-11-26. Review status: criteria provided, single submitter. Criteria: DASA Assertion Criteria. Collection method: clinical testing. Allele origin: germline.
Comment: NM_000384.3(APOB):c.2629C>A (p.Pro877Thr) is a missense variant that results in the substitution of proline with threonine. This variant is rare in population databases. Computational prediction algorithms are consistent with a deleterious effect. The currently available literature and clinical evidence are not sufficient to establish a definitive association between this variant and the reported condition. Therefore, this variant is classified as a variant of uncertain significance.